The following is an entry in ClinVar:

ClinVar aggregate classification (germline): Benign/Likely benign. Review status: criteria provided, multiple submitters, no conflicts (2 of 4 stars). 3 submissions from 3 submitters: Benign (1); Likely benign (2). Last evaluated 2026-07-13.

Conditions:
Hereditary cancer-predisposing syndrome. Also called: Hereditary neoplastic syndrome; Neoplastic Syndromes, Hereditary; Tumor predisposition; Hereditary Cancer Syndrome. Identifiers: Orphanet 140162, MedGen C0027672, MeSH D009386, MONDO:0015356.
Rhabdoid tumor predisposition syndrome 2 (RTPS2). Identifiers: Orphanet 231108, Orphanet 69077, MedGen C2750074, MONDO:0013224, OMIM 613325.

Submissions (3):

Myriad Genetics, Inc.
Classification: Benign for Rhabdoid tumor predisposition syndrome 2. Last evaluated: 2026-07-13. Review status: criteria provided, single submitter. Criteria: Myriad Autosomal Dominant, Autosomal Recessive and X-Linked Classification Criteria (2023). Collection method: clinical testing. Allele origin: unknown.
Comment: This variant is considered benign. This variant is a silent/synonymous amino acid change and it is not expected to impact splicing.

Labcorp Genetics (formerly Invitae), Labcorp
Classification: Likely benign for Rhabdoid tumor predisposition syndrome 2. Last evaluated: 2025-12-22. Review status: criteria provided, single submitter. Criteria: Invitae Variant Classification Sherloc (09022015). Collection method: clinical testing. Allele origin: germline.

Sema4
Classification: Likely benign for Hereditary cancer-predisposing syndrome. Last evaluated: 2021-04-28. Review status: criteria provided, single submitter. Criteria: Sema4 Curation Guidelines. Collection method: curation. Allele origin: germline.

NM_003072.5(SMARCA4):c.2443C>T (p.Leu815=)

Gene: SMARCA4 (SWI/SNF related BAF chromatin remodeling complex subunit ATPase 4; plus strand). Cytogenetic location: 19p13.2.
Variant type: single nucleotide variant.
Coding change: c.2443C>T on transcript NM_003072.5 (MANE Select); coding-DNA position 2443, C replaced by T.
Protein change: p.Leu815=; no amino-acid change (leucine 815 retained).
Molecular consequence: synonymous variant. On other transcripts: non-coding transcript variant (1).
Genome position (GRCh38, 1-based): chr19:11,018,961, C>T. VCF-style: chr19-11018961-C-T. GRCh37 (hg19) VCF-style: chr19-11129637-C-T.
Other names: c.2443C>T, p.Leu815= (NM_001128844.3, NM_001128845.2, NM_001128846.2 and 4 more transcripts).
Identifiers: ClinVar variation 748409 (VCV000748409.10), dbSNP rs1600251895, ClinGen allele CA505490129.
Genomic context (GRCh38, chr19:11,018,961, plus strand): 5'-ACAGTGAGCCATTGATGAGAGACCGGCACTTGACTCTCATTTCCTTGTTCCATCAGAACG[C>T]TGTCCAACTGGGCGTACGAGTTTGACAAGTGGGCCCCCTCCGTGGTGAAGGTGTCTTACA-3'
Protein context (NP_003063.2, residues 805-825): PFLIIVPLST[Leu815=]SNWAYEFDKW